The following is an entry in ClinVar:

ClinVar aggregate classification (germline): Uncertain significance (1 of 4 stars; one submission).

Conditions:
Nemaline myopathy 9 (NEM9). Identifiers: MedGen C3810384, MONDO:0014326, OMIM 615731.

Allele frequency attached by ClinVar (database versions not stated): gnomAD 0.00001; gnomAD exomes 0.00001; ExAC 0.00002; TOPMed 0.00002.
gnomAD v4.1: 11 of 1,613,912 alleles (0.00068%); highest among the groups gnomAD compares: Middle Eastern, 0.016%; no homozygotes.

Submission:

Labcorp Genetics (formerly Invitae), Labcorp
Classification: Uncertain significance for Nemaline myopathy 9. Last evaluated: 2022-02-08. Review status: criteria provided, single submitter. Criteria: Invitae Variant Classification Sherloc (09022015). Collection method: clinical testing. Allele origin: germline.
Comment: This sequence change replaces alanine, which is neutral and non-polar, with threonine, which is neutral and polar, at codon 260 of the KLHL41 protein (p.Ala260Thr). This variant is present in population databases (rs766071573, gnomAD 0.01%). This variant has not been reported in the literature in individuals affected with KLHL41-related conditions. ClinVar contains an entry for this variant (Variation ID: 972417). Algorithms developed to predict the effect of missense changes on protein structure and function output the following: SIFT: "Tolerated"; PolyPhen-2: "Benign"; Align-GVGD: "Class C0". The threonine amino acid residue is found in multiple mammalian species, which suggests that this missense change does not adversely affect protein function. In summary, the available evidence is currently insufficient to determine the role of this variant in disease. Therefore, it has been classified as a Variant of Uncertain Significance.

NM_006063.3(KLHL41):c.778G>A (p.Ala260Thr)

Gene: KLHL41 (kelch like family member 41; plus strand). Cytogenetic location: 2q31.1.
Variant type: single nucleotide variant.
Coding change: c.778G>A on transcript NM_006063.3 (MANE Select); coding-DNA position 778, G replaced by A.
Protein change: p.Ala260Thr; replaces alanine 260 with threonine.
Molecular consequence: missense variant.
Genome position (GRCh38, 1-based): chr2:169,510,556, G>A. VCF-style: chr2-169510556-G-A. GRCh37 (hg19) VCF-style: chr2-170367066-G-A.
Other names: short protein forms A260T.
Identifiers: ClinVar variation 972417 (VCV000972417.5), dbSNP rs766071573, ClinGen allele CA1956553.